The following is an entry in ClinVar:

NM_001394062.1(MACF1):c.21320G>A (p.Arg7107Gln)

Gene: MACF1 (microtubule actin crosslinking factor 1; plus strand). Cytogenetic location: 1p34.3.
Variant type: single nucleotide variant.
Coding change: c.21320G>A on transcript NM_001394062.1 (MANE Select); coding-DNA position 21320, G replaced by A.
Protein change: p.Arg7107Gln; replaces arginine 7107 with glutamine.
Molecular consequence: missense variant.
Genome position (GRCh38, 1-based): chr1:39,459,209, G>A. VCF-style: chr1-39459209-G-A. GRCh37 (hg19) VCF-style: chr1-39924881-G-A.
Other names: c.9398G>A, p.Arg3133Gln (NM_001397473.1); c.15143G>A, p.Arg5048Gln (NM_012090.5); short protein forms R7107Q, R5048Q, R3133Q.
Identifiers: ClinVar variation 2462601 (VCV002462601.7), dbSNP rs570585623, ClinGen allele CA784634.

ClinVar aggregate classification (germline): Likely benign. Review status: criteria provided, multiple submitters, no conflicts (2 of 4 stars). 2 submissions from 2 submitters: Likely benign (2). Last evaluated 2025-12-01.

Conditions:
Inborn genetic diseases. Identifiers: MedGen C0950123, MeSH D030342.

Allele frequency attached by ClinVar (database versions not stated): gnomAD 0.00001; ExAC 0.00002; gnomAD exomes 0.00002; TOPMed 0.00002.
gnomAD v4.1: 33 of 1,613,724 alleles (0.002%); highest among the groups gnomAD compares: East Asian, 0.0067%; no homozygotes.

Submissions (2):

CeGaT Center for Human Genetics Tuebingen
Classification: Likely benign. Last evaluated: 2025-12-01. Review status: criteria provided, single submitter. Criteria: CeGaT Center For Human Genetics Tuebingen Variant Classification Criteria Version 2. Collection method: clinical testing. Allele origin: germline. Affected: yes. Observed: 1 variant allele.
Comment: MACF1: BS2

Ambry Genetics
Classification: Likely benign for Inborn genetic diseases. Last evaluated: 2023-03-06. Review status: criteria provided, single submitter. Criteria: Ambry Variant Classification Scheme 2023. Collection method: clinical testing. Allele origin: germline.